The following is an entry in ClinVar:

NM_020822.3(KCNT1):c.2199G>T (p.Glu733Asp)

Gene: KCNT1 (potassium sodium-activated channel subfamily T member 1; plus strand). Cytogenetic location: 9q34.3.
Variant type: single nucleotide variant.
Coding change: c.2199G>T on transcript NM_020822.3 (MANE Select); coding-DNA position 2199, G replaced by T.
Protein change: p.Glu733Asp; replaces glutamic acid 733 with aspartic acid.
Molecular consequence: missense variant.
Genome position (GRCh38, 1-based): chr9:135,772,905, G>T. VCF-style: chr9-135772905-G-T. GRCh37 (hg19) VCF-style: chr9-138664751-G-T.
Other names: c.2064G>T, p.Glu688Asp (NM_001272003.2); short protein forms E688D, E733D.
Identifiers: ClinVar variation 1026438 (VCV001026438.10), dbSNP rs772800657, ClinGen allele CA5327206.
Genomic context (GRCh38, chr9:135,772,905, plus strand): 5'-CCTGGAACTGGCCGACAGCTCAGCCCTGCTGCCCTGCGACCTGCTGAGCGACCAGTCGGA[G>T]GATGAGGTGACGCCGTCGGACGACGAGGGGCTCTCCGTGGTAGAGTGAGTGCTGCCTTGG-3'
Protein context (NP_065873.2, residues 723-743): LPCDLLSDQS[Glu733Asp]DEVTPSDDEG

ClinVar aggregate classification (germline): Uncertain significance. Review status: criteria provided, multiple submitters, no conflicts (2 of 4 stars). 2 submissions from 2 submitters: Uncertain significance (2). Last evaluated 2024-10-10.

Conditions:
Autosomal dominant nocturnal frontal lobe epilepsy 5. Also called: KCNT1-Related Epilepsy; CILIARY DYSKINESIA, PRIMARY, 28, WITHOUT SITUS INVERSUS; CILIARY DYSKINESIA, PRIMARY, 28, WITH SITUS INVERSUS; Epilepsy, nocturnal frontal lobe, 5. Identifiers: Orphanet 98784, MedGen C3554306, MONDO:0014002, OMIM 615005.
Developmental and epileptic encephalopathy, 14 (DEE14). Also called: Early infantile epileptic encephalopathy 14. Identifiers: Orphanet 293181, MedGen C3554195, MONDO:0013989, OMIM 614959.

Allele frequency attached by ClinVar (database versions not stated): gnomAD 0.00002; gnomAD exomes 0.00002; TOPMed 0.00003; ExAC 0.00006.
gnomAD v4.1: 5 of 1,548,884 alleles (0.00032%); highest among the groups gnomAD compares: African/African-American, 0.0068%; no homozygotes.

Submissions (2):

Labcorp Genetics (formerly Invitae), Labcorp
Classification: Uncertain significance for Autosomal dominant nocturnal frontal lobe epilepsy 5; Developmental and epileptic encephalopathy, 14. Last evaluated: 2024-10-10. Review status: criteria provided, single submitter. Criteria: Invitae Variant Classification Sherloc (09022015). Collection method: clinical testing. Allele origin: germline.
Comment: This sequence change replaces glutamic acid, which is acidic and polar, with aspartic acid, which is acidic and polar, at codon 733 of the KCNT1 protein (p.Glu733Asp). The frequency data for this variant in the population databases is considered unreliable, as metrics indicate poor data quality at this position in the gnomAD database. This variant has not been reported in the literature in individuals affected with KCNT1-related conditions. ClinVar contains an entry for this variant (Variation ID: 1026438). Invitae Evidence Modeling of protein sequence and biophysical properties (such as structural, functional, and spatial information, amino acid conservation, physicochemical variation, residue mobility, and thermodynamic stability) indicates that this missense variant is not expected to disrupt KCNT1 protein function with a negative predictive value of 80%. In summary, the available evidence is currently insufficient to determine the role of this variant in disease. Therefore, it has been classified as a Variant of Uncertain Significance.

Women's Health and Genetics/Laboratory Corporation of America, LabCorp
Classification: Uncertain significance. Last evaluated: 2023-11-09. Review status: criteria provided, single submitter. Criteria: LabCorp Variant Classification Summary - May 2015. Collection method: clinical testing. Allele origin: germline.
Comment: Variant summary: KCNT1 c.2199G>T (p.Glu733Asp) results in a conservative amino acid change in the encoded protein sequence. Four of five in-silico tools predict a benign effect of the variant on protein function. The variant allele was found at a frequency of 1.9e-05 in 159082 control chromosomes (i.e., 5 heterozygotes; gnomAD v4.0.0). The available data on variant occurrences in the general population are insufficient to allow any conclusion about variant significance. However, given the predominance of both infancy-onset disease and de novo occurrence of causative genetic variants in cohorts of individuals affected with Developmental And Epileptic Encephalopathy, 14 (PMIDs: 24029078, 23086397, 7555952), this frequency is suggestive that the variant may be a benign polymorphism. To our knowledge, no occurrence of c.2199G>T in individuals affected with Developmental And Epileptic Encephalopathy, 14 and no experimental evidence demonstrating its impact on protein function have been reported. One submitter has reported clinical-significance assessments for this variant to ClinVar after 2014 and has classified the variant as uncertain significance. Based on the evidence outlined above, the variant was classified as VUS-possibly benign.